The following is an entry in ClinVar:

NM_001197104.2(KMT2A):c.1508G>A (p.Arg503Gln)

Gene: KMT2A (lysine methyltransferase 2A; plus strand). Cytogenetic location: 11q23.3.
Variant type: single nucleotide variant.
Coding change: c.1508G>A on transcript NM_001197104.2 (MANE Select); coding-DNA position 1508, G replaced by A.
Protein change: p.Arg503Gln; replaces arginine 503 with glutamine.
Molecular consequence: missense variant.
Genome position (GRCh38, 1-based): chr11:118,472,667, G>A. VCF-style: chr11-118472667-G-A. GRCh37 (hg19) VCF-style: chr11-118343382-G-A.
Other names: c.1508G>A, p.Arg503Gln (NM_005933.4); c.1508G>A (NM_001197104.1); short protein forms R503Q.
Identifiers: ClinVar variation 1370214 (VCV001370214.7), dbSNP rs782313746, ClinGen allele CA6303409.
Genomic context (GRCh38, chr11:118,472,667, plus strand): 5'-GTGTTGATACCTCCACAGACTCTCAGGCTTCTGAGGAGATTCAGGTACTTCCTGAGGAGC[G>A]GAGCGATACCCCTGAAGTTCATCCTCCACTGCCCATTTCCCAGTCCCCAGAAAATGAGAG-3'
Protein context (NP_001184033.1, residues 493-513): SEEIQVLPEE[Arg503Gln]SDTPEVHPPL

ClinVar aggregate classification (germline): Conflicting classifications of pathogenicity. Review status: criteria provided, conflicting classifications (1 of 4 stars). 2 submissions from 2 submitters: Uncertain significance (1); Likely benign (1). Last evaluated 2025-04-08.

Conditions:
Inborn genetic diseases. Identifiers: MedGen C0950123, MeSH D030342.

Allele frequency attached by ClinVar (database versions not stated): gnomAD exomes 0.00001; ExAC 0.00002; TOPMed 0.00002; gnomAD 0.00003.
gnomAD v4.1: 78 of 1,612,746 alleles (0.0048%); highest among the groups gnomAD compares: Non-Finnish European, 0.0063%; no homozygotes.

Submissions (2):

Labcorp Genetics (formerly Invitae), Labcorp
Classification: Uncertain significance. Last evaluated: 2025-04-08. Review status: criteria provided, single submitter. Criteria: Invitae Variant Classification Sherloc (09022015). Collection method: clinical testing. Allele origin: germline.
Comment: This sequence change replaces arginine, which is basic and polar, with glutamine, which is neutral and polar, at codon 503 of the KMT2A protein (p.Arg503Gln). This variant is present in population databases (rs782313746, gnomAD 0.004%). This variant has not been reported in the literature in individuals affected with KMT2A-related conditions. ClinVar contains an entry for this variant (Variation ID: 1370214). Invitae Evidence Modeling of protein sequence and biophysical properties (such as structural, functional, and spatial information, amino acid conservation, physicochemical variation, residue mobility, and thermodynamic stability) indicates that this missense variant is not expected to disrupt KMT2A protein function with a negative predictive value of 95%. In summary, the available evidence is currently insufficient to determine the role of this variant in disease. Therefore, it has been classified as a Variant of Uncertain Significance.

Ambry Genetics
Classification: Likely benign for Inborn genetic diseases. Last evaluated: 2024-11-25. Review status: criteria provided, single submitter. Criteria: Ambry Variant Classification Scheme 2023. Collection method: clinical testing. Allele origin: germline.